The following is an entry in ClinVar:

NM_177438.3(DICER1):c.3557A>C (p.Asn1186Thr)

Gene: DICER1 (dicer 1, ribonuclease III; minus strand). Cytogenetic location: 14q32.13.
Variant type: single nucleotide variant.
Coding change: c.3557A>C on transcript NM_177438.3 (MANE Select); coding-DNA position 3557, A replaced by C.
Protein change: p.Asn1186Thr; replaces asparagine 1186 with threonine.
Molecular consequence: missense variant. On other transcripts: non-coding transcript variant (6).
Genome position (GRCh38, 1-based): chr14:95,103,839, T>G on the plus strand (A>C on the coding strand, the complement: DICER1 is on the minus strand). VCF-style: chr14-95103839-T-G. GRCh37 (hg19) VCF-style: chr14-95570176-T-G.
Other names: c.2990A>C, p.Asn997Thr (NM_001395691.1); c.3557A>C, p.Asn1186Thr (NM_001395692.1, NM_001395693.1, NM_001395694.1 and 12 more transcripts); c.3152A>C, p.Asn1051Thr (NM_001395696.1, NM_001395687.1, NM_001395688.1 and 2 more transcripts); c.1874A>C, p.Asn625Thr (NM_001395697.1); c.3275A>C, p.Asn1092Thr (NM_001395686.1); short protein forms N1051T, N1092T, N1186T, N625T, N997T.
Identifiers: ClinVar variation 4869806 (VCV004869806.1).

ClinVar aggregate classification (germline): Uncertain significance (1 of 4 stars; one submission).

Conditions:
Hereditary cancer-predisposing syndrome. Also called: Neoplastic Syndromes, Hereditary; Tumor predisposition; Hereditary Cancer Syndrome; Hereditary neoplastic syndrome. Identifiers: Orphanet 140162, MedGen C0027672, MeSH D009386, MONDO:0015356.

Submission:

Ambry Genetics
Classification: Uncertain significance for Hereditary cancer-predisposing syndrome. Last evaluated: 2026-05-30. Review status: criteria provided, single submitter. Criteria: Ambry Variant Classification Scheme 2023. Collection method: clinical testing. Allele origin: germline.
Comment: The p.N1186T variant (also known as c.3557A>C), located in coding exon 20 of the DICER1 gene, results from an A to C substitution at nucleotide position 3557. The asparagine at codon 1186 is replaced by threonine, an amino acid with similar properties. This amino acid position is conserved. In addition, the in silico prediction for this alteration is inconclusive. Based on the available evidence, the clinical significance of this variant remains unclear.